The following is an entry in ClinVar:

NM_022726.4(ELOVL4):c.238A>G (p.Ile80Val)

Gene: ELOVL4 (ELOVL fatty acid elongase 4; minus strand). Cytogenetic location: 6q14.1.
Variant type: single nucleotide variant.
Coding change: c.238A>G on transcript NM_022726.4 (MANE Select); coding-DNA position 238, A replaced by G.
Protein change: p.Ile80Val; replaces isoleucine 80 with valine.
Molecular consequence: missense variant.
Genome position (GRCh38, 1-based): chr6:79,926,244, T>C on the plus strand (A>G on the coding strand, the complement: ELOVL4 is on the minus strand). VCF-style: chr6-79926244-T-C. GRCh37 (hg19) VCF-style: chr6-80635961-T-C.
Other names: short protein forms I80V.
Identifiers: ClinVar variation 2794357 (VCV002794357.3), dbSNP rs1272937963, ClinGen allele CA364657376.

ClinVar aggregate classification (germline): Uncertain significance (1 of 4 stars; one submission).

Allele frequency attached by ClinVar (database versions not stated): gnomAD exomes 0.00001.
gnomAD v4.1: 7 of 1,613,938 alleles (0.00043%); highest among the groups gnomAD compares: East Asian, 0.0022%; no homozygotes.

Submission:

Labcorp Genetics (formerly Invitae), Labcorp
Classification: Uncertain significance. Last evaluated: 2023-11-19. Review status: criteria provided, single submitter. Criteria: Invitae Variant Classification Sherloc (09022015). Collection method: clinical testing. Allele origin: germline.
Comment: This sequence change replaces isoleucine, which is neutral and non-polar, with valine, which is neutral and non-polar, at codon 80 of the ELOVL4 protein (p.Ile80Val). This variant is present in population databases (no rsID available, gnomAD 0.0009%). This variant has not been reported in the literature in individuals affected with ELOVL4-related conditions. Advanced modeling of protein sequence and biophysical properties (such as structural, functional, and spatial information, amino acid conservation, physicochemical variation, residue mobility, and thermodynamic stability) performed at Invitae indicates that this missense variant is not expected to disrupt ELOVL4 protein function with a negative predictive value of 80%. In summary, the available evidence is currently insufficient to determine the role of this variant in disease. Therefore, it has been classified as a Variant of Uncertain Significance.